The following is an entry in ClinVar:

NM_001165963.4(SCN1A):c.1230del (p.Ser411fs)

Gene: SCN1A (sodium voltage-gated channel alpha subunit 1; minus strand). Cytogenetic location: 2q24.3.
Variant type: Deletion.
Coding change: c.1230del on transcript NM_001165963.4 (MANE Select); coding-DNA position 1230, one base deleted (C; older notation c.1230delC).
Protein change: p.Ser411fs; shifts the reading frame from serine 411.
Molecular consequence: frameshift variant. On other transcripts: 5 prime UTR variant (1), non-coding transcript variant (1).
Genome position (GRCh38, 1-based): chr2:166,046,917, G deleted on the plus strand (C on the coding strand, the reverse complement: SCN1A is on the minus strand). VCF-style (leftmost placement, unchanged base first): chr2-166046916-AG-A. GRCh37 (hg19) VCF-style: chr2-166903426-AG-A.
Other names: c.1230del, p.Ser411fs (NM_001165964.3, NM_001202435.3, NM_001353948.2 and 10 more transcripts); c.-1196del (NM_001353961.2); short protein forms S411fs.
Identifiers: ClinVar variation 422912 (VCV000422912.2), dbSNP rs1064796087, ClinGen allele CA16617313.
Genomic context (GRCh38, chr2:166,046,916, plus strand): 5'-GATTCTGTTCCTCGTAGGCCATGGCCACCACAGCCAGGATCAAATTTATTAGGTAGAATG[AG>A]CCCAAGAAAATGACCAATACAAAAAATATCATGTACGTTTTCCCAGCAGCACGTAATGTC-3'

ClinVar aggregate classification (germline): Pathogenic (1 of 4 stars; one submission).

Submission:

GeneDx
Classification: Pathogenic. Last evaluated: 2017-07-17. Review status: criteria provided, single submitter. Criteria: GeneDx Variant Classification (06012015). Collection method: clinical testing. Allele origin: germline. Affected: yes.
Comment: The c.1230delC pathogenic variant in the SCN1A gene causes a frameshift starting with codon Serine 411, changes this amino acid to a Histidine residue and creates a premature Stop codon at position 4 of the new reading frame, denoted p.Ser411HisfsX4. This variant is predicted to cause loss of normal protein function either through protein truncation or nonsense-mediated mRNA decay.